The following is an entry in ClinVar:

NM_001270974.2(HYDIN):c.6864C>A (p.His2288Gln)

Gene: HYDIN (HYDIN axonemal central pair apparatus protein; minus strand). Cytogenetic location: 16q22.2.
Variant type: single nucleotide variant.
Coding change: c.6864C>A on transcript NM_001270974.2 (MANE Select); coding-DNA position 6864, C replaced by A.
Protein change: p.His2288Gln; replaces histidine 2288 with glutamine.
Molecular consequence: missense variant.
Genome position (GRCh38, 1-based): chr16:70,938,745, G>T on the plus strand (C>A on the coding strand, the complement: HYDIN is on the minus strand). VCF-style: chr16-70938745-G-T. GRCh37 (hg19) VCF-style: chr16-70972648-G-T.
Other names: short protein forms H2288Q.
Identifiers: ClinVar variation 1331714 (VCV001331714.1), dbSNP rs1336810918, ClinGen allele CA396619358.

ClinVar aggregate classification (germline): Uncertain significance (1 of 4 stars; one submission).

Conditions:
Primary ciliary dyskinesia 5. Also called: CILIARY DYSKINESIA, PRIMARY, 5, WITHOUT SITUS INVERSUS. Identifiers: Orphanet 244, MedGen C1837615, MONDO:0012088, OMIM 608647.

Allele frequency attached by ClinVar (database versions not stated): gnomAD exomes below 0.00001; TOPMed below 0.00001; gnomAD 0.00001.
gnomAD v4.1: 10 of 1,613,936 alleles (0.00062%); highest among the groups gnomAD compares: South Asian, 0.0033%; no homozygotes.

Submission:

Johns Hopkins Genomics, Johns Hopkins University
Classification: Uncertain significance for Primary ciliary dyskinesia 5. Last evaluated: 2021-10-20. Review status: criteria provided, single submitter. Criteria: ACMG Guidelines, 2015. Collection method: clinical testing. Allele origin: germline.
Comment: HYDIN c.6864C>A (rs1336810918) is rare (<0.1%) in a large population dataset (gnomAD: 1/249340 total alleles; 0.0004%; no homozygotes) and has not been reported in ClinVar nor the literature, to our knowledge. Three bioinformatic tools queried predict that this substitution would be tolerated and the histidine residue at this position is not highly evolutionarily conserved across the species assessed. We consider the clinical significance of HYDIN c.6864C>A to be uncertain at this time.